The following is an entry in ClinVar:

ClinVar aggregate classification (germline): Uncertain significance (1 of 4 stars; one submission).

Allele frequency attached by ClinVar (database versions not stated): gnomAD exomes below 0.00001; TOPMed below 0.00001; ExAC 0.00002.
gnomAD v4.1: 2 of 1,614,240 alleles (0.00012%); highest among the groups gnomAD compares: Admixed American, 0.0017%; no homozygotes.

Submission:

Labcorp Genetics (formerly Invitae), Labcorp
Classification: Uncertain significance. Last evaluated: 2022-09-07. Review status: criteria provided, single submitter. Criteria: Invitae Variant Classification Sherloc (09022015). Collection method: clinical testing. Allele origin: germline.
Comment: This sequence change falls in intron 5 of the HARS2 gene. It does not directly change the encoded amino acid sequence of the HARS2 protein. It affects a nucleotide within the consensus splice site. This variant is present in population databases (rs767139814, gnomAD 0.01%). This variant has not been reported in the literature in individuals affected with HARS2-related conditions. Variants that disrupt the consensus splice site are a relatively common cause of aberrant splicing (PMID: 17576681, 9536098). Algorithms developed to predict the effect of sequence changes on RNA splicing suggest that this variant may disrupt the consensus splice site. In summary, the available evidence is currently insufficient to determine the role of this variant in disease. Therefore, it has been classified as a Variant of Uncertain Significance.

Literature cited by the submitters: PubMed 17576681; PubMed 9536098.

NM_012208.4(HARS2):c.525+5G>A

Gene: HARS2 (histidyl-tRNA synthetase 2, mitochondrial; plus strand). Cytogenetic location: 5q31.3.
Variant type: single nucleotide variant.
Coding change: c.525+5G>A on transcript NM_012208.4 (MANE Select); 5 bases into the intron after coding-DNA position 525, G replaced by A.
Molecular consequence: intron variant.
Genome position (GRCh38, 1-based): chr5:140,695,638, G>A. VCF-style: chr5-140695638-G-A. GRCh37 (hg19) VCF-style: chr5-140075223-G-A.
Other names: c.94-100G>A (NM_001278732.2); c.543+5G>A (NM_001363535.2); c.450+5G>A (NM_001278731.2); c.315+5G>A (NM_001363536.2).
Identifiers: ClinVar variation 2018509 (VCV002018509.4), dbSNP rs767139814, ClinGen allele CA3444452.